The following is an entry in ClinVar:

ClinVar aggregate classification (germline): Likely benign. Review status: criteria provided, multiple submitters, no conflicts (2 of 4 stars). 2 submissions from 2 submitters: Likely benign (2). Last evaluated 2022-11-01.

Conditions:
Hereditary insensitivity to pain with anhidrosis (CIPA). Also called: INSENSITIVITY TO PAIN, CONGENITAL, WITH ANHIDROSIS; NTRK1 Congenital Insensitivity to Pain with Anhidrosis; HSAN Type IV; hereditary sensory and autonomic neuropathy type 4; FAMILIAL DYSAUTONOMIA, TYPE II; NEUROPATHY, CONGENITAL SENSORY, WITH ANHIDROSIS. Identifiers: Orphanet 642, MedGen C0020074, MONDO:0009746, OMIM 256800.

Allele frequency attached by ClinVar (database versions not stated): 1000 Genomes Project 30x 0.00062; 1000 Genomes Project 0.00080; TOPMed 0.00142; ESP Exome Variant Server 0.00154; gnomAD exomes 0.00163 and 0.00198; gnomAD 0.00192 and 0.00199; ExAC 0.00161.
gnomAD v4.1: 3,173 of 1,614,180 alleles (0.2%); highest among the groups gnomAD compares: Non-Finnish European, 0.23%; 3 homozygotes.

Submissions (2):

CeGaT Center for Human Genetics Tuebingen
Classification: Likely benign. Last evaluated: 2022-11-01. Review status: criteria provided, single submitter. Criteria: CeGaT Center For Human Genetics Tuebingen Variant Classification Criteria Version 2. Collection method: clinical testing. Allele origin: germline. Affected: yes. Observed: 1 variant allele.
Comment: INSRR: BP4, BS1

Mendelics
Classification: Likely benign for Hereditary insensitivity to pain with anhidrosis. Last evaluated: 2019-05-28. Review status: criteria provided, single submitter. Criteria: Mendelics Assertion Criteria 2017. Collection method: clinical testing. Allele origin: unknown.

NM_014215.3(INSRR):c.1660C>T (p.Arg554Cys)

Genes: INSRR (insulin receptor related receptor; minus strand), NTRK1 (neurotrophic receptor tyrosine kinase 1; plus strand). Cytogenetic location: 1q23.1.
Variant type: single nucleotide variant.
Coding change: c.1660C>T on transcript NM_014215.3 (MANE Select); coding-DNA position 1660, C replaced by T.
Protein change: p.Arg554Cys; replaces arginine 554 with cysteine.
Molecular consequence: missense variant. On other transcripts: intron variant (1).
Genome position (GRCh38, 1-based): chr1:156,846,669, G>A on the plus strand (C>T on the coding strand, the complement: INSRR is on the minus strand). VCF-style: chr1-156846669-G-A. GRCh37 (hg19) VCF-style: chr1-156816461-G-A.
Other names: c.122+4476G>A (NM_001007792.1); short protein forms R554C.
Identifiers: ClinVar variation 801561 (VCV000801561.24), dbSNP rs56068937, ClinGen allele CA1168293.